The following is an entry in ClinVar:

ClinVar aggregate classification (germline): Pathogenic. Review status: reviewed by expert panel (3 of 4 stars). 5 submissions from 5 submitters: Pathogenic (1). 4 of the submissions do not count toward it. Last evaluated 2024-06-25.

Conditions:
Hereditary cancer-predisposing syndrome. Also called: Neoplastic Syndromes, Hereditary; Tumor predisposition; Hereditary neoplastic syndrome; Hereditary Cancer Syndrome. Identifiers: Orphanet 140162, MedGen C0027672, MeSH D009386, MONDO:0015356.
Chuvash polycythemia. Also called: POLYCYTHEMIA, VHL-DEPENDENT. Identifiers: Orphanet 238557, MedGen C1837915, MONDO:0009892, OMIM 263400.
Von Hippel-Lindau syndrome (VHLS). Also called: von Hippel–Lindau syndrome; VHL syndrome; Von Hippel-Lindau. Identifiers: Orphanet 892, MedGen C0019562, MONDO:0008667, OMIM 193300. Disease mechanism: loss of function.

gnomAD v4.1: 1 of 1,613,554 alleles (0.000062%); no homozygotes.

Submissions (5):

ClinGen VHL Variant Curation Expert Panel, ClinGen
Classification: Pathogenic for Von Hippel-Lindau syndrome. Last evaluated: 2024-06-25. Review status: reviewed by expert panel. Criteria: ClinGen VHL VCEP ACMG Specifications VHL V1. Collection method: curation. Allele origin: germline. Inheritance: Autosomal dominant inheritance.
Comment: The variant NM_000551.3(VHL):c.463+1G>A is a canonical splice site within the 2nd intron of the VHL gene. If a cryptic splice does not alter the reading frame, and is in a critical domain (AA 63-204), it can receive PVS1_Strong . Exon 2 is an in-frame exon (AA 114-156). Disruption of the splice donor site by this variant may cause skipping of exon 2. There is a known non-functional naturally occurring isoform missing exon 2 (PMID: 29891534, 31350093). (PVS1_Strong). There is one variant present in gnomAD v4.1.0. The GroupMax Filtering Allele Frequency (95% CI) in gnomAD v4.1.0 is not calculated. PM2_Supporting can be applied for variants with <= 0.0000015 (0.00015%) frequency in gnomAD, or if no GroupMax Filtering Allele Frequency is calculated (PM2_Supporting). Multiple cases are reported in the literature as follows: Case 1) a Japanese VHL family (table 1): retinal angioma, CNS hemangioblastoma, pancreatic cyst/tumor, RCC, Described as c.676+1G>A (PMID: 10761708) Case 2) South American VHL cohort, and variant described as IVS2+1G>A in a family with 5 affected members (table 1, PMID: 8956040 cited): CNS hemangioblastoma; retinal angioma; renal carcinoma; pancreatic cystadenoma (PMID: 12624160) Case 3) French VHL Study Group. The patient (no 23 from family 582) presented with pancreatic endocrine tumour and renal carcinoma (PMID: 18580449) Case 4) Brazilian patients. Found in one patient. (6 points, PS4). In summary, this variant meets the criteria to be classified as Pathogenic for autosomal-dominant von Hippel-Lindau disease (VHL disease) based on the ACMG/AMP criteria applied, as specified by the ClinGen VHL VCEP Version 1.0 (Specifications approval date: 02/26/2024. Variant Approval Date 06/25/2024).

Labcorp Genetics (formerly Invitae), Labcorp
Classification: Pathogenic for Von Hippel-Lindau syndrome; Chuvash polycythemia. Last evaluated: 2025-12-10. Review status: criteria provided, single submitter. Criteria: Invitae Variant Classification Sherloc (09022015). Collection method: clinical testing. Allele origin: germline. Not counted in ClinVar's aggregate classification.
Comment: This sequence change affects a donor splice site in intron 2 of the VHL gene. While this variant is not anticipated to result in nonsense mediated decay, it likely alters RNA splicing and results in a disrupted protein product. This variant is not present in population databases (gnomAD no frequency). Disruption of this splice site has been observed in individuals with von Hippel-Lindau syndrome (PMID: 8707293, 10761708, 12624160, 21362373). ClinVar contains an entry for this variant (Variation ID: 526679). Variants that disrupt the consensus splice site are a relatively common cause of aberrant splicing (PMID: 17576681, 9536098). Algorithms developed to predict the effect of sequence changes on RNA splicing suggest that this variant may disrupt the consensus splice site. For these reasons, this variant has been classified as Pathogenic.

Institute for Genomic Medicine (IGM) Clinical Laboratory, Nationwide Children's Hospital
Classification: Pathogenic for Von Hippel-Lindau syndrome. Last evaluated: 2025-10-29. Review status: criteria provided, single submitter. Criteria: ACMG Guidelines, 2015. Collection method: clinical testing. Allele origin: germline. Not counted in ClinVar's aggregate classification.
Comment: This variant is predicted to result in loss of function through nonsense-mediated decay of the encoded transcript or premature truncation of the encoded protein in a gene in which loss of function is a known mechanism of disease (ACMG/AMP: PVS1_Strong). This variant has been reported at an elevated frequency in affected individuals/in multiple affected individuals in the literature (ACMG/AMP: PS4; PMIDs:10761708, 12624160, 18580449, 31528828, 19464396). This variant is absent from or present at an exceedingly low frequency in gnomAD, a large-scale control population database (ACMG/AMP: PM2).

Ambry Genetics
Classification: Pathogenic for Hereditary cancer-predisposing syndrome. Last evaluated: 2022-05-12. Review status: criteria provided, single submitter. Criteria: Ambry Variant Classification Scheme 2023. Collection method: clinical testing. Allele origin: germline. Not counted in ClinVar's aggregate classification.
Comment: The c.463+1G>A intronic pathogenic mutation results from a G to A substitution one nucleotide after coding exon 2 of the VHL gene. This mutation has been identified in multiple individuals with Von Hippel-Lindau disease (VHL) (Yoshida et. al., Jpn J Cancer Res. 2000; 91(2): 204-12; Ciotti P et al Eur J Med Genet. 2009 Sep-Oct;52(5):311-4; Rocha JC et al. J. Med. Genet., 2003 Mar;40:e31; Ambry internal data). Of note, this mutation is also known as c.676+1G>A and IVS2+1G>A in published literature. In addition to the clinical data presented in the literature, alterations that disrupt the canonical splice site are expected to cause aberrant splicing, resulting in an abnormal protein or a transcript that is subject to nonsense-mediated mRNA decay. As such, this alteration is classified as a disease-causing mutation.

Athena Diagnostics
Classification: Pathogenic. Last evaluated: 2015-03-31. Review status: criteria provided, single submitter. Criteria: Athena Diagnostics Criteria. Collection method: clinical testing. Allele origin: germline. Not counted in ClinVar's aggregate classification.

Literature cited by the submitters: PubMed 8707293 (cited by Labcorp Genetics (formerly Invitae), Labcorp); PubMed 10761708 (cited by 3 submitters); PubMed 12624160 (cited by 4 submitters); PubMed 21362373 (cited by Labcorp Genetics (formerly Invitae), Labcorp); PubMed 17576681 (cited by Labcorp Genetics (formerly Invitae), Labcorp); PubMed 9536098 (cited by Labcorp Genetics (formerly Invitae), Labcorp); PubMed 18580449 (cited by Institute for Genomic Medicine (IGM) Clinical Laboratory, Nationwide Children's Hospital); PubMed 31528828 (cited by Institute for Genomic Medicine (IGM) Clinical Laboratory, Nationwide Children's Hospital); PubMed 19464396 (cited by Institute for Genomic Medicine (IGM) Clinical Laboratory, Nationwide Children's Hospital).

NM_000551.4(VHL):c.463+1G>A

Genes: VHL (von Hippel-Lindau tumor suppressor; plus strand), LOC107303340 (3p25 von Hippel-Lindau tumor suppressor, E3 ubiquitin protein ligase Alu-mediated recombination region; plus strand). Cytogenetic location: 3p25.3.
Variant type: single nucleotide variant.
Coding change: c.463+1G>A on transcript NM_000551.4 (MANE Select); the canonical splice donor site of the intron after coding-DNA position 463, G replaced by A.
Molecular consequence: splice donor variant. On other transcripts: intron variant (2).
Genome position (GRCh38, 1-based): chr3:10,146,637, G>A. VCF-style: chr3-10146637-G-A. GRCh37 (hg19) VCF-style: chr3-10188321-G-A.
Other names: c.*18-3150G>A (NM_001354723.2); c.341-3150G>A (NM_198156.3).
Identifiers: ClinVar variation 526679 (VCV000526679.15), dbSNP rs869025657, ClinGen allele CA16621909.